The following is an entry in ClinVar:

ClinVar aggregate classification (germline): Uncertain significance (1 of 4 stars; one submission).

gnomAD v4.1: 1 of 1,396,472 alleles (0.000072%); highest among the groups gnomAD compares: Non-Finnish European, 0.000092%; no homozygotes.

Submission:

Ambry Genetics
Classification: Uncertain significance. Last evaluated: 2025-10-17. Review status: criteria provided, single submitter. Criteria: Ambry Variant Classification Scheme 2023. Collection method: clinical testing. Allele origin: germline.
Comment: The p.G120D variant (also known as c.359G>A), located in coding exon 1 of the WNK2 gene, results from a G to A substitution at nucleotide position 359. The glycine at codon 120 is replaced by aspartic acid, an amino acid with similar properties. This amino acid position is conserved. In addition, this alteration is predicted to be tolerated by in silico analysis. Based on the available evidence, the clinical significance of this variant remains unclear.

NM_006648.4(WNK2):c.359G>A (p.Gly120Asp)

Gene: WNK2 (WNK lysine deficient protein kinase 2; plus strand). Cytogenetic location: 9q22.31.
Variant type: single nucleotide variant.
Coding change: c.359G>A on transcript NM_006648.4 (MANE Select); coding-DNA position 359, G replaced by A.
Protein change: p.Gly120Asp; replaces glycine 120 with aspartic acid.
Molecular consequence: missense variant.
Genome position (GRCh38, 1-based): chr9:93,185,288, G>A. VCF-style: chr9-93185288-G-A. GRCh37 (hg19) VCF-style: chr9-95947570-G-A.
Other names: c.359G>A, p.Gly120Asp (NM_001282394.3); short protein forms G120D.
Identifiers: ClinVar variation 4605271 (VCV004605271.1).